The following is an entry in ClinVar:

NM_001367561.1(DOCK7):c.5449A>G (p.Ile1817Val)

Gene: DOCK7 (dedicator of cytokinesis 7; minus strand). Cytogenetic location: 1p31.3.
Variant type: single nucleotide variant.
Coding change: c.5449A>G on transcript NM_001367561.1 (MANE Select); coding-DNA position 5449, A replaced by G.
Protein change: p.Ile1817Val; replaces isoleucine 1817 with valine.
Molecular consequence: missense variant.
Genome position (GRCh38, 1-based): chr1:62,488,978, T>C on the plus strand (A>G on the coding strand, the complement: DOCK7 is on the minus strand). VCF-style: chr1-62488978-T-C. GRCh37 (hg19) VCF-style: chr1-62954649-T-C.
Other names: c.5356A>G (NM_033407.2); c.5422A>G, p.Ile1808Val (NM_001271999.2, NM_001330614.2); c.5329A>G, p.Ile1777Val (NM_001272000.2, NM_001272001.2); c.5356A>G, p.Ile1786Val (NM_033407.4); short protein forms I1777V, I1786V, I1808V, I1817V.
Identifiers: ClinVar variation 1062827 (VCV001062827.10), dbSNP rs761773341, ClinGen allele CA885466.
Genomic context (GRCh38, chr1:62,488,978, plus strand): 5'-AAATTGGAATCATTACCTGATGAACAATTTTGCTGAATGCTTCTTGAAGTTTACCATGAA[T>C]TGTGGATAGTTTCTTTGCATCCCGATTAGCTTCATGAATAGGAATAAGTACTTTGTAAAC-3'
Protein context (NP_001354490.1, residues 1807-1827): ANRDAKKLST[Ile1817Val]HGKLQEAFSK

ClinVar aggregate classification (germline): Uncertain significance. Review status: criteria provided, multiple submitters, no conflicts (2 of 4 stars). 2 submissions from 2 submitters: Uncertain significance (2). Last evaluated 2025-05-29.

Conditions:
Inborn genetic diseases. Identifiers: MedGen C0950123, MeSH D030342.
Developmental and epileptic encephalopathy, 23 (DEE23). Also called: Epileptic encephalopathy, early infantile, 23. Identifiers: Orphanet 411986, MedGen C4014492, MONDO:0014371, OMIM 615859.

Allele frequency attached by ClinVar (database versions not stated): gnomAD exomes below 0.00001; ExAC 0.00001; gnomAD 0.00003; TOPMed 0.00005.
gnomAD v4.1: 9 of 1,613,604 alleles (0.00056%); highest among the groups gnomAD compares: Middle Eastern, 0.016%; no homozygotes.

Submissions (2):

Ambry Genetics
Classification: Uncertain significance for Inborn genetic diseases. Last evaluated: 2025-05-29. Review status: criteria provided, single submitter. Criteria: Ambry Variant Classification Scheme 2023. Collection method: clinical testing. Allele origin: germline.

Labcorp Genetics (formerly Invitae), Labcorp
Classification: Uncertain significance for Developmental and epileptic encephalopathy, 23. Last evaluated: 2022-08-23. Review status: criteria provided, single submitter. Criteria: Invitae Variant Classification Sherloc (09022015). Collection method: clinical testing. Allele origin: germline.
Comment: Algorithms developed to predict the effect of sequence changes on RNA splicing suggest that this variant may create or strengthen a splice site. In summary, the available evidence is currently insufficient to determine the role of this variant in disease. Therefore, it has been classified as a Variant of Uncertain Significance. Algorithms developed to predict the effect of missense changes on protein structure and function (SIFT, PolyPhen-2, Align-GVGD) all suggest that this variant is likely to be tolerated. ClinVar contains an entry for this variant (Variation ID: 1062827). This variant has not been reported in the literature in individuals affected with DOCK7-related conditions. This variant is present in population databases (rs761773341, gnomAD 0.008%). This sequence change replaces isoleucine, which is neutral and non-polar, with valine, which is neutral and non-polar, at codon 1808 of the DOCK7 protein (p.Ile1808Val).